The following is an entry in ClinVar:

ClinVar aggregate classification (germline): Uncertain significance. Review status: criteria provided, multiple submitters, no conflicts (2 of 4 stars). 2 submissions from 2 submitters: Uncertain significance (2). Last evaluated 2025-09-03.

Conditions:
Familial hemiplegic migraine. Identifiers: MedGen C0338484, MONDO:0000700.

Submissions (2):

Labcorp Genetics (formerly Invitae), Labcorp
Classification: Uncertain significance for Familial hemiplegic migraine. Last evaluated: 2025-09-03. Review status: criteria provided, single submitter. Criteria: Invitae Variant Classification Sherloc (09022015). Collection method: clinical testing. Allele origin: germline.
Comment: This sequence change replaces glutamic acid, which is acidic and polar, with aspartic acid, which is acidic and polar, at codon 228 of the ATP1A2 protein (p.Glu228Asp). This variant is not present in population databases (gnomAD no frequency). This variant has not been reported in the literature in individuals affected with ATP1A2-related conditions. Invitae Evidence Modeling of protein sequence and biophysical properties (such as structural, functional, and spatial information, amino acid conservation, physicochemical variation, residue mobility, and thermodynamic stability) indicates that this missense variant is not expected to disrupt ATP1A2 protein function with a negative predictive value of 95%. In summary, the available evidence is currently insufficient to determine the role of this variant in disease. Therefore, it has been classified as a Variant of Uncertain Significance.

GeneDx
Classification: Uncertain significance. Last evaluated: 2025-07-24. Review status: criteria provided, single submitter. Criteria: GeneDx Variant Classification Process June 2021. Collection method: clinical testing. Allele origin: germline. Affected: yes.
Comment: Not observed at significant frequency in large population cohorts (gnomAD); In silico analysis suggests that this missense variant does not alter protein structure/function; Has not been previously published as pathogenic or benign to our knowledge

NM_000702.4(ATP1A2):c.684G>T (p.Glu228Asp)

Genes: ATP1A2 (ATPase Na+/K+ transporting subunit alpha 2; plus strand), LOC126805890 (CDK7 strongly-dependent group 2 enhancer GRCh37_chr1:160093987-160095186; plus strand). Cytogenetic location: 1q23.2.
Variant type: single nucleotide variant.
Coding change: c.684G>T on transcript NM_000702.4 (MANE Select); coding-DNA position 684, G replaced by T.
Protein change: p.Glu228Asp; replaces glutamic acid 228 with aspartic acid.
Molecular consequence: missense variant.
Genome position (GRCh38, 1-based): chr1:160,125,189, G>T. VCF-style: chr1-160125189-G-T. GRCh37 (hg19) VCF-style: chr1-160094979-G-T.
Other names: short protein forms E228D.
Identifiers: ClinVar variation 4687082 (VCV004687082.2).